The following is an entry in ClinVar:

NM_000548.5(TSC2):c.517T>G (p.Ser173Ala)

Gene: TSC2 (TSC complex subunit 2; plus strand). Cytogenetic location: 16p13.3.
Variant type: single nucleotide variant.
Coding change: c.517T>G on transcript NM_000548.5 (MANE Select); coding-DNA position 517, T replaced by G.
Protein change: p.Ser173Ala; replaces serine 173 with alanine.
Molecular consequence: missense variant. On other transcripts: intron variant (1).
Genome position (GRCh38, 1-based): chr16:2,055,437, T>G. VCF-style: chr16-2055437-T-G. GRCh37 (hg19) VCF-style: chr16-2105438-T-G.
Other names: c.517T>G, p.Ser173Ala (NM_001077183.3, NM_001114382.3, NM_001363528.2 and 3 more transcripts); c.406T>G, p.Ser136Ala (NM_001318827.2); c.370T>G, p.Ser124Ala (NM_001318829.2); c.550T>G, p.Ser184Ala (NM_001318832.2); c.-1-759T>G (NM_001318831.2); c.517T>G (NM_000548.3); short protein forms S136A, S173A, S184A, S124A.
Identifiers: ClinVar variation 1423090 (VCV001423090.9), dbSNP rs2151059325, ClinGen allele CA394309281.

ClinVar aggregate classification (germline): Uncertain significance. Review status: criteria provided, multiple submitters, no conflicts (2 of 4 stars). 2 submissions from 2 submitters: Uncertain significance (2). Last evaluated 2024-06-30.

Conditions:
Hereditary cancer-predisposing syndrome. Also called: Hereditary neoplastic syndrome; Tumor predisposition; Hereditary Cancer Syndrome; Neoplastic Syndromes, Hereditary. Identifiers: Orphanet 140162, MedGen C0027672, MeSH D009386, MONDO:0015356.
Tuberous sclerosis 2 (TSC2). Identifiers: Orphanet 805, MedGen C1860707, MONDO:0013199, OMIM 613254.

Submissions (2):

Labcorp Genetics (formerly Invitae), Labcorp
Classification: Uncertain significance for Tuberous sclerosis 2. Last evaluated: 2024-06-30. Review status: criteria provided, single submitter. Criteria: Invitae Variant Classification Sherloc (09022015). Collection method: clinical testing. Allele origin: germline.
Comment: This sequence change replaces serine, which is neutral and polar, with alanine, which is neutral and non-polar, at codon 173 of the TSC2 protein (p.Ser173Ala). This variant is not present in population databases (gnomAD no frequency). This variant has not been reported in the literature in individuals affected with TSC2-related conditions. ClinVar contains an entry for this variant (Variation ID: 1423090). Advanced modeling of protein sequence and biophysical properties (such as structural, functional, and spatial information, amino acid conservation, physicochemical variation, residue mobility, and thermodynamic stability) performed at Invitae indicates that this missense variant is not expected to disrupt TSC2 protein function with a negative predictive value of 95%. In summary, the available evidence is currently insufficient to determine the role of this variant in disease. Therefore, it has been classified as a Variant of Uncertain Significance.

Ambry Genetics
Classification: Uncertain significance for Hereditary cancer-predisposing syndrome. Last evaluated: 2024-04-15. Review status: criteria provided, single submitter. Criteria: Ambry Variant Classification Scheme 2023. Collection method: clinical testing. Allele origin: germline.
Comment: The p.S173A variant (also known as c.517T>G), located in coding exon 5 of the TSC2 gene, results from a T to G substitution at nucleotide position 517. The serine at codon 173 is replaced by alanine, an amino acid with similar properties. This amino acid position is not well conserved in available vertebrate species. In addition, this alteration is predicted to be tolerated by in silico analysis. Based on the available evidence, the clinical significance of this variant remains unclear.